The following is an entry in ClinVar:

NM_001382430.1(AKT1):c.148G>A (p.Ala50Thr)

Gene: AKT1 (AKT serine/threonine kinase 1; minus strand). Cytogenetic location: 14q32.33.
Variant type: single nucleotide variant.
Coding change: c.148G>A on transcript NM_001382430.1 (MANE Select); coding-DNA position 148, G replaced by A.
Protein change: p.Ala50Thr; replaces alanine 50 with threonine.
Molecular consequence: missense variant.
Genome position (GRCh38, 1-based): chr14:104,780,115, C>T on the plus strand (G>A on the coding strand, the complement: AKT1 is on the minus strand). VCF-style: chr14-104780115-C-T. GRCh37 (hg19) VCF-style: chr14-105246452-C-T.
Other names: c.148G>A, p.Ala50Thr (NM_001014431.2, NM_001014432.2, NM_001382431.1 and 3 more transcripts); short protein forms A50T.
Identifiers: ClinVar variation 2140769 (VCV002140769.4), dbSNP rs2140948821, ClinGen allele CA391221491.

ClinVar aggregate classification (germline): Uncertain significance (1 of 4 stars; one submission).

Conditions:
Cowden syndrome 6 (CWS6). Identifiers: Orphanet 201, MedGen C3554519, MONDO:0014048, OMIM 615109.

gnomAD v4.1: 2 of 1,613,660 alleles (0.00012%); highest among the groups gnomAD compares: Admixed American, 0.0017%; no homozygotes.

Submission:

Labcorp Genetics (formerly Invitae), Labcorp
Classification: Uncertain significance for Cowden syndrome 6. Last evaluated: 2023-03-31. Review status: criteria provided, single submitter. Criteria: Invitae Variant Classification Sherloc (09022015). Collection method: clinical testing. Allele origin: germline.
Comment: In summary, the available evidence is currently insufficient to determine the role of this variant in disease. Therefore, it has been classified as a Variant of Uncertain Significance. An algorithm developed to predict the effect of missense changes on protein structure and function (PolyPhen-2) suggests that this variant is likely to be tolerated. ClinVar contains an entry for this variant (Variation ID: 2140769). This variant has not been reported in the literature in individuals affected with AKT1-related conditions. This variant is not present in population databases (gnomAD no frequency). This sequence change replaces alanine, which is neutral and non-polar, with threonine, which is neutral and polar, at codon 50 of the AKT1 protein (p.Ala50Thr).